The following is an entry in ClinVar:

NM_001375524.1(TRRAP):c.7580C>T (p.Ser2527Phe)

Gene: TRRAP (transformation/transcription domain associated protein; plus strand). Cytogenetic location: 7q22.1.
Variant type: single nucleotide variant.
Coding change: c.7580C>T on transcript NM_001375524.1 (MANE Select); coding-DNA position 7580, C replaced by T.
Protein change: p.Ser2527Phe; replaces serine 2527 with phenylalanine.
Molecular consequence: missense variant.
Genome position (GRCh38, 1-based): chr7:98,970,179, C>T. VCF-style: chr7-98970179-C-T. GRCh37 (hg19) VCF-style: chr7-98567802-C-T.
Other names: c.7559C>T, p.Ser2520Phe (NM_001244580.2); c.7505C>T, p.Ser2502Phe (NM_003496.4); short protein forms S2502F, S2520F, S2527F.
Identifiers: ClinVar variation 4540329 (VCV004540329.1).
Genomic context (GRCh38, chr7:98,970,179, plus strand): 5'-TGGCCGTGTGTGAGAAGAGCACCCCCATTGGCACCAGCTGCCAAGGAGCCATGCTCCCGT[C>T]CATCACCAACGTCATCAACCTGGCCGATAGCCACGACCGTGCCGCCTTCGCCATGGTCAC-3'
Protein context (NP_001362453.1, residues 2517-2537): GTSCQGAMLP[Ser2527Phe]ITNVINLADS

ClinVar aggregate classification (germline): Uncertain significance (1 of 4 stars; one submission).

Submission:

GeneDx
Classification: Uncertain significance. Last evaluated: 2025-06-23. Review status: criteria provided, single submitter. Criteria: GeneDx Variant Classification Process June 2021. Collection method: clinical testing. Allele origin: germline. Affected: yes.
Comment: Not observed at significant frequency in large population cohorts (gnomAD); In silico analysis supports that this missense variant has a deleterious effect on protein structure/function; Has not been previously published as pathogenic or benign to our knowledge